The following is an entry in ClinVar:

ClinVar aggregate classification (germline): Uncertain significance. Review status: criteria provided, multiple submitters, no conflicts (2 of 4 stars). 2 submissions from 2 submitters: Uncertain significance (2). Last evaluated 2024-08-20.

Conditions:
Familial thoracic aortic aneurysm and aortic dissection (TAAD). Also called: Thoracic aortic aneurysms and dissections. Identifiers: Orphanet 91387, MedGen C4707243, MONDO:0019625.
Shprintzen-Goldberg syndrome (SGS). Also called: CRANIOSYNOSTOSIS WITH ARACHNODACTYLY AND ABDOMINAL HERNIAS; SHPRINTZEN-GOLDBERG CRANIOSYNOSTOSIS SYNDROME; Marfanoid disorder with craniosynostosis type 1; Marfanoid craniosynostosis syndrome; Shprintzen-Goldberg marfanoid syndrome. Identifiers: Orphanet 2462, MedGen C1321551, MONDO:0008426, OMIM 182212.

Allele frequency attached by ClinVar (database versions not stated): TOPMed 0.00001; gnomAD 0.00001; gnomAD exomes 0.00001.
gnomAD v4.1: 9 of 1,581,196 alleles (0.00057%); highest among the groups gnomAD compares: African/African-American, 0.0027%; no homozygotes.

Submissions (2):

Labcorp Genetics (formerly Invitae), Labcorp
Classification: Uncertain significance for Shprintzen-Goldberg syndrome. Last evaluated: 2024-08-20. Review status: criteria provided, single submitter. Criteria: Invitae Variant Classification Sherloc (09022015). Collection method: clinical testing. Allele origin: germline.
Comment: This sequence change replaces arginine, which is basic and polar, with histidine, which is basic and polar, at codon 570 of the SKI protein (p.Arg570His). The frequency data for this variant in the population databases is considered unreliable, as metrics indicate poor data quality at this position in the gnomAD database. This variant has not been reported in the literature in individuals affected with SKI-related conditions. ClinVar contains an entry for this variant (Variation ID: 1778509). Invitae Evidence Modeling of protein sequence and biophysical properties (such as structural, functional, and spatial information, amino acid conservation, physicochemical variation, residue mobility, and thermodynamic stability) has been performed for this missense variant. However, the output from this modeling did not meet the statistical confidence thresholds required to predict the impact of this variant on SKI protein function. In summary, the available evidence is currently insufficient to determine the role of this variant in disease. Therefore, it has been classified as a Variant of Uncertain Significance.

Ambry Genetics
Classification: Uncertain significance for Familial thoracic aortic aneurysm and aortic dissection. Last evaluated: 2024-04-29. Review status: criteria provided, single submitter. Criteria: Ambry Variant Classification Scheme 2023. Collection method: clinical testing. Allele origin: germline.

NM_003036.4(SKI):c.1709G>A (p.Arg570His)

Gene: SKI (SKI proto-oncogene; plus strand). Cytogenetic location: 1p36.32.
Variant type: single nucleotide variant.
Coding change: c.1709G>A on transcript NM_003036.4 (MANE Select); coding-DNA position 1709, G replaced by A.
Protein change: p.Arg570His; replaces arginine 570 with histidine.
Molecular consequence: missense variant.
Genome position (GRCh38, 1-based): chr1:2,304,527, G>A. VCF-style: chr1-2304527-G-A. GRCh37 (hg19) VCF-style: chr1-2235966-G-A.
Other names: short protein forms R570H.
Identifiers: ClinVar variation 1778509 (VCV001778509.5), dbSNP rs1203082758, ClinGen allele CA337957787.